The following is an entry in ClinVar:

NM_198123.2(CSMD3):c.8441-8T>C

Gene: CSMD3 (CUB and Sushi multiple domains 3; minus strand). Cytogenetic location: 8q23.3.
Variant type: single nucleotide variant.
Coding change: c.8441-8T>C on transcript NM_198123.2 (MANE Select); 8 bases into the intron before coding-DNA position 8441, T replaced by C.
Molecular consequence: intron variant.
Genome position (GRCh38, 1-based): chr8:112,296,014, A>G on the plus strand (T>C on the coding strand, the complement: CSMD3 is on the minus strand). VCF-style: chr8-112296014-A-G. GRCh37 (hg19) VCF-style: chr8-113308243-A-G.
Other names: c.7841-8T>C (NM_001363185.1); c.7934-8T>C (NM_052900.3); c.8321-8T>C (NM_198124.2).
Identifiers: ClinVar variation 3060861 (VCV003060861.2), dbSNP rs4876462, ClinGen allele CA4848960.
Genomic context (GRCh38, chr8:112,296,014, plus strand): 5'-TTCTCCAATGACTTGACCATTCACAATCAGTTCTGGAATTCCACAATGACCCGCTGAAAT[A>G]CGTTATAAAGTAATATTTTTAATACTGTGATTTGTTTTATTTGTATATTTATATACATGT-3'

ClinVar aggregate classification (germline): Benign (0 of 4 stars; one submission).

Conditions:
CSMD3-related disorder. Also called: CSMD3-related condition.

Allele frequency attached by ClinVar (database versions not stated): 1000 Genomes Project 30x 0.40584; 1000 Genomes Project 0.40875; ESP Exome Variant Server 0.41727; TOPMed 0.42232.
gnomAD v4.1: 739,588 of 1,598,766 alleles (46%); highest among the groups gnomAD compares: Middle Eastern, 52%; 173,789 homozygotes.

Submission:

PreventionGenetics, part of Exact Sciences
Classification: Benign for CSMD3-related condition. Last evaluated: 2019-10-17. Review status: no assertion criteria provided. Collection method: clinical testing. Allele origin: germline.
Comment: This variant is classified as benign based on ACMG/AMP sequence variant interpretation guidelines (Richards et al. 2015 PMID: 25741868, with internal and published modifications).